The following is an entry in ClinVar:

NM_000071.3(CBS):c.829-91G>A

Gene: CBS (cystathionine beta-synthase; minus strand). Cytogenetic location: 21q22.3.
Variant type: single nucleotide variant.
Coding change: c.829-91G>A on transcript NM_000071.3 (MANE Select); 91 bases into the intron before coding-DNA position 829, G replaced by A.
Molecular consequence: intron variant.
Genome position (GRCh38, 1-based): chr21:43,063,169, C>T on the plus strand (G>A on the coding strand, the complement: CBS is on the minus strand). VCF-style: chr21-43063169-C-T. GRCh37 (hg19) VCF-style: chr21-44483279-C-T.
Other names: c.829-91G>A (NM_001320298.2, NM_001178009.3, NM_001178008.3); c.514-91G>A (NM_001321072.1).
Identifiers: ClinVar variation 673096 (VCV000673096.11), dbSNP rs150181241, ClinGen allele CA321091962.
Genomic context (GRCh38, chr21:43,063,169, plus strand): 5'-CCAGCAAAAGCCCCGCCTGGACATGCCTCGATATTCTATTATGGGAGTGGCCAATACCGC[C>T]GTTAACAACTGCCTGTTAATGATCTGCCTGTGGGTGGTGGCCTGTTCCCAGCCTCAGAGG-3'

ClinVar aggregate classification (germline): Benign/Likely benign. Review status: criteria provided, multiple submitters, no conflicts (2 of 4 stars). 3 submissions from 3 submitters: Benign (1); Likely benign (2). Last evaluated 2023-10-06.

Allele frequency attached by ClinVar (database versions not stated): 1000 Genomes Project 0.00519; gnomAD 0.01153.

Submissions (3):

ARUP Laboratories, Molecular Genetics and Genomics, ARUP Laboratories
Classification: Benign. Last evaluated: 2023-10-06. Review status: criteria provided, single submitter. Criteria: ARUP Molecular Germline Variant Investigation Process 2024. Collection method: clinical testing. Allele origin: germline.

GeneDx
Classification: Likely benign. Last evaluated: 2018-06-14. Review status: criteria provided, single submitter. Criteria: GeneDx Variant Classification (06012015). Collection method: clinical testing. Allele origin: germline. Affected: yes.
Comment: This variant is considered likely benign or benign based on one or more of the following criteria: it is a conservative change, it occurs at a poorly conserved position in the protein, it is predicted to be benign by multiple in silico algorithms, and/or has population frequency not consistent with disease.

Breakthrough Genomics
Classification: Likely benign. Review status: criteria provided, single submitter. Criteria: ACMG Guidelines, 2015. Collection method: not provided. Allele origin: germline. Inheritance: Autosomal recessive inheritance. Affected: yes.